The following is an entry in ClinVar:

ClinVar aggregate classification (germline): Uncertain significance. Review status: criteria provided, multiple submitters, no conflicts (2 of 4 stars). 4 submissions from 4 submitters: Uncertain significance (4). Last evaluated 2024-02-21.

Conditions:
Nephronophthisis. Also called: Juvenile Nephronophthisis. Identifiers: Orphanet 655, MedGen C0687120, MONDO:0019005, HP:0000090.
Senior-Loken syndrome 4 (SLSN4). Identifiers: Orphanet 3156, MedGen C1846979, MONDO:0011756, OMIM 606996.
Nephronophthisis 4 (NPHP4). Also called: NEPHRONOPHTHISIS 4, JUVENILE. Identifiers: Orphanet 655, MedGen C1847013, MONDO:0011752, OMIM 606966.

Allele frequency attached by ClinVar (database versions not stated): ExAC 0.00005; 1000 Genomes Project 30x 0.00016; ESP Exome Variant Server 0.00016; 1000 Genomes Project 0.00020; gnomAD 0.00025 and 0.00029; TOPMed 0.00028; gnomAD exomes 0.00002 and 0.00004.
gnomAD v4.1: 64 of 1,613,548 alleles (0.004%); highest among the groups gnomAD compares: African/African-American, 0.08%; no homozygotes.

Submissions (4):

Fulgent Genetics
Classification: Uncertain significance for Nephronophthisis 4; Senior-Loken syndrome 4. Last evaluated: 2024-02-21. Review status: criteria provided, single submitter. Criteria: ACMG Guidelines, 2015. Collection method: clinical testing. Allele origin: germline.

Blueprint Genetics
Classification: Uncertain significance. Last evaluated: 2023-10-24. Review status: criteria provided, single submitter. Criteria: ACMG Guidelines, 2015. Collection method: clinical testing. Allele origin: germline.

Labcorp Genetics (formerly Invitae), Labcorp
Classification: Uncertain significance for Nephronophthisis. Last evaluated: 2022-10-17. Review status: criteria provided, single submitter. Criteria: Invitae Variant Classification Sherloc (09022015). Collection method: clinical testing. Allele origin: germline.
Comment: This sequence change replaces lysine, which is basic and polar, with glutamic acid, which is acidic and polar, at codon 809 of the NPHP4 protein (p.Lys809Glu). This variant is present in population databases (rs371429952, gnomAD 0.05%). This variant has not been reported in the literature in individuals affected with NPHP4-related conditions. ClinVar contains an entry for this variant (Variation ID: 194866). Advanced modeling of protein sequence and biophysical properties (such as structural, functional, and spatial information, amino acid conservation, physicochemical variation, residue mobility, and thermodynamic stability) performed at Invitae indicates that this missense variant is expected to disrupt NPHP4 protein function. In summary, the available evidence is currently insufficient to determine the role of this variant in disease. Therefore, it has been classified as a Variant of Uncertain Significance.

Eurofins Ntd Llc (ga)
Classification: Uncertain significance. Last evaluated: 2018-06-07. Review status: criteria provided, single submitter. Criteria: EGL ClinVar v180209 classification definitions. Collection method: clinical testing. Allele origin: germline. Observed: 3 variant alleles, 3 heterozygotes.

NM_015102.5(NPHP4):c.2425A>G (p.Lys809Glu)

Gene: NPHP4 (nephrocystin 4; minus strand). Cytogenetic location: 1p36.31.
Variant type: single nucleotide variant.
Coding change: c.2425A>G on transcript NM_015102.5 (MANE Select); coding-DNA position 2425, A replaced by G.
Protein change: p.Lys809Glu; replaces lysine 809 with glutamic acid.
Molecular consequence: missense variant. On other transcripts: non-coding transcript variant (1).
Genome position (GRCh38, 1-based): chr1:5,887,346, T>C on the plus strand (A>G on the coding strand, the complement: NPHP4 is on the minus strand). VCF-style: chr1-5887346-T-C. GRCh37 (hg19) VCF-style: chr1-5947406-T-C.
Other names: c.886A>G, p.Lys296Glu (NM_001291593.2); c.889A>G, p.Lys297Glu (NM_001291594.2); short protein forms K809E, K297E, K296E.
Identifiers: ClinVar variation 194866 (VCV000194866.11), dbSNP rs371429952, ClinGen allele CA241061.
Genomic context (GRCh38, chr1:5,887,346, plus strand): 5'-CCACGTTGGCCAAAGTCAGGTGCAGCCGGCCCTTCACCACCGAGTGGACGCCGATGGGCT[T>C]GACGCGGCCAAACCCCAGCATGTCTCCACTCACCACCATGTTGTCCTGCTCGTATTCAGT-3'
Protein context (NP_055917.1, residues 799-819): SGDMLGFGRV[Lys809Glu]PIGVHSVVKG